The following is an entry in ClinVar:

ClinVar aggregate classification (germline): Uncertain significance (1 of 4 stars; one submission).

Submission:

Labcorp Genetics (formerly Invitae), Labcorp
Classification: Uncertain significance. Last evaluated: 2020-12-30. Review status: criteria provided, single submitter. Criteria: Invitae Variant Classification Sherloc (09022015). Collection method: clinical testing. Allele origin: germline.
Comment: In summary, the available evidence is currently insufficient to determine the role of this variant in disease. Therefore, it has been classified as a Variant of Uncertain Significance. Experimental studies and prediction algorithms are not available or were not evaluated, and the functional significance of this variant is currently unknown. This variant has not been reported in the literature in individuals with ZSWIM6-related conditions. The frequency data for this variant in the population databases is considered unreliable, as metrics indicate insufficient coverage at this position in the ExAC database. This variant, c.492_530del, results in the deletion of 13 amino acid(s) of the ZSWIM6 protein (p.Thr167_Ala179del), but otherwise preserves the integrity of the reading frame.

NM_020928.2(ZSWIM6):c.492_530del (p.Thr167_Ala179del)

Gene: ZSWIM6 (zinc finger SWIM-type containing 6; plus strand). Cytogenetic location: 5q12.1.
Variant type: Deletion.
Coding change: c.492_530del on transcript NM_020928.2 (MANE Select); coding-DNA positions 492 to 530, 39 bases deleted.
Protein change: p.Thr167_Ala179del.
Molecular consequence: inframe deletion.
Genome position (GRCh38, 1-based): chr5:61,332,764-61,332,802, 39 bases deleted; deleting any 39 consecutive bases within chr5:61,332,762-61,332,802 gives the same sequence; the c. name uses the placement nearest the transcript's 3' end. GRCh37 (hg19): chr5:60,628,591-60,628,629.
Identifiers: ClinVar variation 1900490 (VCV001900490.5), dbSNP rs1472055967, ClinGen allele CA560299884.